The following is an entry in ClinVar:

NM_000465.4(BARD1):c.1105A>G (p.Lys369Glu)

Gene: BARD1 (BRCA1 associated RING domain 1; minus strand). Cytogenetic location: 2q35.
Variant type: single nucleotide variant.
Coding change: c.1105A>G on transcript NM_000465.4 (MANE Select); coding-DNA position 1105, A replaced by G.
Protein change: p.Lys369Glu; replaces lysine 369 with glutamic acid.
Molecular consequence: missense variant. On other transcripts: non-coding transcript variant (2), intron variant (3).
Genome position (GRCh38, 1-based): chr2:214,780,769, T>C on the plus strand (A>G on the coding strand, the complement: BARD1 is on the minus strand). VCF-style: chr2-214780769-T-C. GRCh37 (hg19) VCF-style: chr2-215645493-T-C.
Other names: c.1048A>G, p.Lys350Glu (NM_001282543.2); c.159-28214A>G (NM_001282548.2); c.215+16292A>G (NM_001282545.2); c.364+11528A>G (NM_001282549.2); short protein forms K350E, K369E.
Identifiers: ClinVar variation 1467755 (VCV001467755.9), dbSNP rs2106108670, ClinGen allele CA350454047.

ClinVar aggregate classification (germline): Uncertain significance. Review status: criteria provided, multiple submitters, no conflicts (2 of 4 stars). 2 submissions from 2 submitters: Uncertain significance (2). Last evaluated 2021-10-13.

Conditions:
Familial cancer of breast. Also called: hereditary breast carcinoma; BREAST CANCER, FAMILIAL; Hereditary breast cancer. Identifiers: Orphanet 227535, MedGen C0346153, MONDO:0016419, OMIM 114480. Disease mechanism: loss of function.
Hereditary cancer-predisposing syndrome. Also called: Tumor predisposition; Hereditary Cancer Syndrome; Hereditary neoplastic syndrome; Neoplastic Syndromes, Hereditary. Identifiers: Orphanet 140162, MedGen C0027672, MeSH D009386, MONDO:0015356.

Submissions (2):

Labcorp Genetics (formerly Invitae), Labcorp
Classification: Uncertain significance for Familial cancer of breast. Last evaluated: 2021-10-13. Review status: criteria provided, single submitter. Criteria: Invitae Variant Classification Sherloc (09022015). Collection method: clinical testing. Allele origin: germline.
Comment: This sequence change replaces lysine with glutamic acid at codon 369 of the BARD1 protein (p.Lys369Glu). The lysine residue is moderately conserved and there is a small physicochemical difference between lysine and glutamic acid. This variant is not present in population databases (ExAC no frequency). This variant has not been reported in the literature in individuals affected with BARD1-related conditions. Algorithms developed to predict the effect of missense changes on protein structure and function (SIFT, PolyPhen-2, Align-GVGD) all suggest that this variant is likely to be tolerated. In summary, the available evidence is currently insufficient to determine the role of this variant in disease. Therefore, it has been classified as a Variant of Uncertain Significance.

Ambry Genetics
Classification: Uncertain significance for Hereditary cancer-predisposing syndrome. Last evaluated: 2020-05-27. Review status: criteria provided, single submitter. Criteria: Ambry Variant Classification Scheme 2023. Collection method: clinical testing. Allele origin: germline.
Comment: The p.K369E variant (also known as c.1105A>G), located in coding exon 4 of the BARD1 gene, results from an A to G substitution at nucleotide position 1105. The lysine at codon 369 is replaced by glutamic acid, an amino acid with similar properties. This amino acid position is not well conserved in available vertebrate species. In addition, this alteration is predicted to be tolerated by in silico analysis. Since supporting evidence is limited at this time, the clinical significance of this alteration remains unclear.